The following is an entry in ClinVar:

NM_014363.6(SACS):c.8142G>A (p.Ser2714=)

Gene: SACS (sacsin molecular chaperone; minus strand). Cytogenetic location: 13q12.12.
Variant type: single nucleotide variant.
Coding change: c.8142G>A on transcript NM_014363.6 (MANE Select); coding-DNA position 8142, G replaced by A.
Protein change: p.Ser2714=; no amino-acid change (serine 2714 retained).
Molecular consequence: synonymous variant.
Genome position (GRCh38, 1-based): chr13:23,335,734, C>T on the plus strand (G>A on the coding strand, the complement: SACS is on the minus strand). VCF-style: chr13-23335734-C-T. GRCh37 (hg19) VCF-style: chr13-23909873-C-T.
Other names: c.8142G>A (NM_014363.5); c.7701G>A, p.Ser2567= (NM_001278055.2).
Identifiers: ClinVar variation 502509 (VCV000502509.16), dbSNP rs530250252, ClinGen allele CA6910815.
Genomic context (GRCh38, chr13:23,335,734, plus strand): 5'-CCCATCTGAGCGCAGTTTGTCCAAAAGATTCTGGACCATTCTGTCTGATGCTGGAACAGA[C>T]GAAATTTCCGAAACTTTTGCCATTTCTGCATTACGAAGAGGAAATCTGAACATTGTGCAA-3'
Protein context (NP_055178.3, residues 2704-2724): NAEMAKVSEI[Ser2714=]SVPASDRMVQ

ClinVar aggregate classification (germline): Conflicting classifications of pathogenicity. Review status: criteria provided, conflicting classifications (1 of 4 stars). 4 submissions from 4 submitters: Uncertain significance (1); Likely benign (3). Last evaluated 2026-05-15.

Conditions:
Charlevoix-Saguenay spastic ataxia (SACS). Also called: SPASTIC ATAXIA 6, AUTOSOMAL RECESSIVE; AUTOSOMAL RECESSIVE SPASTIC ATAXIA OF CHARLEVOIX-SAGUENAY; Spastic ataxia of Charlevoix-Saguenay. Identifiers: Orphanet 98, MedGen C1849140, MONDO:0010041, OMIM 270550.
SACS-related disorder. Also called: SACS-related condition.
Spastic paraplegia. Identifiers: MedGen C0037772, HP:0001258.

Allele frequency attached by ClinVar (database versions not stated): gnomAD 0.00003; TOPMed 0.00006; 1000 Genomes Project 30x 0.00016; 1000 Genomes Project 0.00020.
gnomAD v4.1: 110 of 1,614,014 alleles (0.0068%); highest among the groups gnomAD compares: Non-Finnish European, 0.009%; no homozygotes.

Submissions (4):

PreventionGenetics, part of Exact Sciences
Classification: Likely benign for SACS-related condition. Last evaluated: 2026-05-15. Review status: criteria provided, single submitter. Criteria: ACMG Guidelines, 2015. Collection method: clinical testing. Allele origin: germline.
Comment: This variant is classified as likely benign based on ACMG/AMP sequence variant interpretation guidelines (Richards et al. 2015 PMID: 25741868, with internal and published modifications).

Labcorp Genetics (formerly Invitae), Labcorp
Classification: Likely benign for Spastic paraplegia. Last evaluated: 2026-01-21. Review status: criteria provided, single submitter. Criteria: Invitae Variant Classification Sherloc (09022015). Collection method: clinical testing. Allele origin: germline.

Genome-Nilou Lab
Classification: Likely benign for Charlevoix-Saguenay spastic ataxia. Last evaluated: 2021-09-05. Review status: criteria provided, single submitter. Criteria: ACMG Guidelines, 2015. Collection method: clinical testing. Allele origin: germline. Affected: no.

Eurofins Ntd Llc (ga)
Classification: Uncertain significance. Last evaluated: 2017-06-12. Review status: criteria provided, single submitter. Criteria: EGL Classification Definitions 2015. Collection method: clinical testing. Allele origin: germline. Observed: 1 variant allele, 1 heterozygote.